The following is an entry in ClinVar:

ClinVar aggregate classification (germline): Pathogenic/Likely pathogenic. Review status: criteria provided, multiple submitters, no conflicts (2 of 4 stars). 4 submissions from 4 submitters: Pathogenic (2); Likely pathogenic (2). Last evaluated 2022-11-08.

Conditions:
Marfan syndrome (MFS). Also called: MARFAN SYNDROME, TYPE I; FBN1-Related Marfan Syndrome; Marfan syndrome type 1; Marfan's syndrome; Marfan syndrome, classic. Identifiers: Orphanet 284963, Orphanet 558, MedGen C0024796, MONDO:0007947, OMIM 154700.
Familial thoracic aortic aneurysm and aortic dissection (TAAD). Also called: Thoracic aortic aneurysms and dissections. Identifiers: Orphanet 91387, MedGen C4707243, MONDO:0019625.

Submissions (4):

Labcorp Genetics (formerly Invitae), Labcorp
Classification: Pathogenic for Marfan syndrome; Familial thoracic aortic aneurysm and aortic dissection. Last evaluated: 2022-11-08. Review status: criteria provided, single submitter. Criteria: Invitae Variant Classification Sherloc (09022015). Collection method: clinical testing. Allele origin: germline.
Comment: For these reasons, this variant has been classified as Pathogenic. This variant affects a cysteine residue in the EGF-like, TGFBP or hybrid motif domains of FBN1. Cysteine residues are believed to be involved in intramolecular disulfide bridges and have been shown to be important for FBN1 protein structure (PMID: 16905551, 19349279). In addition, missense substitutions affecting cysteine residues within these domains are significantly overrepresented among patients with Marfan syndrome (PMID: 16571647, 17701892). Advanced modeling of protein sequence and biophysical properties (such as structural, functional, and spatial information, amino acid conservation, physicochemical variation, residue mobility, and thermodynamic stability) performed at Invitae indicates that this missense variant is expected to disrupt FBN1 protein function. ClinVar contains an entry for this variant (Variation ID: 457202). This missense change has been observed in individuals with Marfan syndrome (PMID: 25907466, 27112580). This variant is not present in population databases (gnomAD no frequency). This sequence change replaces cysteine, which is neutral and slightly polar, with tyrosine, which is neutral and polar, at codon 1348 of the FBN1 protein (p.Cys1348Tyr).

Centre of Medical Genetics, University of Antwerp
Classification: Pathogenic for Marfan syndrome. Last evaluated: 2021-03-01. Review status: criteria provided, single submitter. Criteria: Submitter's publication. Collection method: research. Allele origin: unknown. Affected: yes.
Comment: PM2, PVS2, PP4

GeneDx
Classification: Likely pathogenic. Last evaluated: 2020-03-23. Review status: criteria provided, single submitter. Criteria: GeneDx Variant Classification Process June 2021. Collection method: clinical testing. Allele origin: germline. Affected: yes.
Comment: Not observed in large population cohorts (Lek et al., 2016); In silico analysis supports that this missense variant has a deleterious effect on protein structure/function; Affects a cysteine residue within a calcium-binding EGF-like domain of the FBN1 gene, which may affect disulfide bonding and is predicted to alter the structure and function of the protein; cysteine substitutions in the calcium-binding EGF-like domains represent the majority of pathogenic missense changes associated with FBN1-related disorders (Collod-Beroud et al., 2003); Reported in ClinVar as pathogenic and likely pathogenic (ClinVar Variant ID# 457202; Landrum et al., 2016); This variant is associated with the following publications: (PMID: 32154576, 27112580, 25907466)

Ambry Genetics
Classification: Likely pathogenic for Familial thoracic aortic aneurysm and aortic dissection. Last evaluated: 2016-06-20. Review status: criteria provided, single submitter. Criteria: Ambry Variant Classification Scheme 2023. Collection method: clinical testing. Allele origin: germline.
Comment: The p.C1348Y variant (also known as c.4043G>A), located in coding exon 32 of the FBN1 gene, results from a G to A substitution at nucleotide position 4043. The cysteine at codon 1348 is replaced by tyrosine, an amino acid with highly dissimilar properties, and is located in the cb EGF-like #18 domain. This variant has been described in individuals with Marfan syndrome (Proost D et al. Hum Mutat. 2015;36(8):808-14; Somers AE et al. Am J Med Genet A. 2016;170(7):1786-90). This variant was not reported in population based cohorts in the following databases: Database of Single Nucleotide Polymorphisms (dbSNP), NHLBI Exome Sequencing Project (ESP), and 1000 Genomes Project. In the ESP, this variant was not observed in 6494 samples (12988 alleles) with coverage at this position. This amino acid position is highly conserved in available vertebrate species. In addition, this alteration is predicted to be deleterious by in silico analysis. The majority of FBN1 mutations identified to date have involved the substitution or generation of cysteine residues within cbEGF domains (Vollbrandt T et al. J Biol Chem. 2004;279(31):32924-32931). Based on the majority of available evidence to date, this alteration is likely to be pathogenic.

Literature cited by the submitters: PubMed 16905551 (cited by Labcorp Genetics (formerly Invitae), Labcorp); PubMed 19349279 (cited by Labcorp Genetics (formerly Invitae), Labcorp); PubMed 16571647 (cited by Labcorp Genetics (formerly Invitae), Labcorp); PubMed 17701892 (cited by Labcorp Genetics (formerly Invitae), Labcorp); PubMed 25907466 (cited by Labcorp Genetics (formerly Invitae), Labcorp and Ambry Genetics); PubMed 27112580 (cited by Labcorp Genetics (formerly Invitae), Labcorp and Ambry Genetics).

NM_000138.5(FBN1):c.4043G>A (p.Cys1348Tyr)

Gene: FBN1 (fibrillin 1; minus strand). Cytogenetic location: 15q21.1.
Variant type: single nucleotide variant.
Coding change: c.4043G>A on transcript NM_000138.5 (MANE Select); coding-DNA position 4043, G replaced by A.
Protein change: p.Cys1348Tyr; replaces cysteine 1348 with tyrosine.
Molecular consequence: missense variant.
Genome position (GRCh38, 1-based): chr15:48,474,572, C>T on the plus strand (G>A on the coding strand, the complement: FBN1 is on the minus strand). VCF-style: chr15-48474572-C-T. GRCh37 (hg19) VCF-style: chr15-48766769-C-T.
Other names: short protein forms C1348Y.
Identifiers: ClinVar variation 457202 (VCV000457202.32), dbSNP rs1555397720, ClinGen allele CA392320494.
Genomic context (GRCh38, chr15:48,474,572, plus strand): 5'-TTACTTTCCTACTCACCAGTGCACTTAATGCCATCTCCAATCCACCCGGGACTGCAGCTA[C>T]ATTTGAAGCTTCCTGCTGTATTGGTACATACAGCATGTTTGCCACAGTTGTGTGCTCCAA-3'
Protein context (NP_000129.3, residues 1338-1358): VCTNTAGSFK[Cys1348Tyr]SCSPGWIGDG